The following is an entry in ClinVar:

NM_012472.6(DNAAF11):c.574C>T (p.Gln192Ter)

Gene: DNAAF11 (dynein axonemal assembly factor 11; minus strand). Cytogenetic location: 8q24.22.
Variant type: single nucleotide variant.
Coding change: c.574C>T on transcript NM_012472.6 (MANE Select); coding-DNA position 574, C replaced by T.
Protein change: p.Gln192Ter; replaces glutamine 192 with a stop codon.
Molecular consequence: nonsense. On other transcripts: non-coding transcript variant (1).
Genome position (GRCh38, 1-based): chr8:132,632,819, G>A on the plus strand (C>T on the coding strand, the complement: DNAAF11 is on the minus strand). VCF-style: chr8-132632819-G-A. GRCh37 (hg19) VCF-style: chr8-133645065-G-A.
Other names: c.574C>T, p.Gln192Ter (NM_001321961.2); c.328C>T, p.Gln110Ter (NM_001321962.2); c.214C>T, p.Gln72Ter (NM_001321963.2, NM_001321964.2, NM_001321965.2 and 1 more transcripts); short protein forms Q192*, Q110*, Q72*.
Identifiers: ClinVar variation 39795 (VCV000039795.13), dbSNP rs141945265, ClinGen allele CA343815.
Genomic context (GRCh38, chr8:132,632,819, plus strand): 5'-TGTACCAACGTCCATCAAAGCCTGCGTTACTTCTCTTGTCTTCATTTTTATCCTCTTCTT[G>A]GTGTTTCCTCTGAGCCTCTTCCTTGAGTTTGGCTCGTTTAAGACAGTGATCTTTTTCCTG-3'

ClinVar aggregate classification (germline): Pathogenic. Review status: criteria provided, single submitter (1 of 4 stars). 3 submissions from 3 submitters: Pathogenic (1). 2 of the submissions do not count toward it. Last evaluated 2025-01-15.

Conditions:
Primary ciliary dyskinesia 19. Also called: CILIARY DYSKINESIA, PRIMARY, 19, WITH OR WITHOUT SITUS INVERSUS. Identifiers: Orphanet 244, MedGen C3543826, MONDO:0013979, OMIM 614935.

Allele frequency attached by ClinVar (database versions not stated): TOPMed 0.00001.
gnomAD v4.1: 15 of 1,613,724 alleles (0.00093%); highest among the groups gnomAD compares: Admixed American, 0.0017%; no homozygotes.

Submissions (3):

Labcorp Genetics (formerly Invitae), Labcorp
Classification: Pathogenic for Primary ciliary dyskinesia 19. Last evaluated: 2025-01-15. Review status: criteria provided, single submitter. Criteria: Invitae Variant Classification Sherloc (09022015). Collection method: clinical testing. Allele origin: germline.
Comment: This sequence change creates a premature translational stop signal (p.Gln192*) in the LRRC6 gene. It is expected to result in an absent or disrupted protein product. Loss-of-function variants in LRRC6 are known to be pathogenic (PMID: 23122589). This variant is present in population databases (rs141945265, gnomAD 0.003%). This premature translational stop signal has been observed in individual(s) with primary ciliary dyskinesia (PMID: 23122589). ClinVar contains an entry for this variant (Variation ID: 39795). For these reasons, this variant has been classified as Pathogenic.

OMIM
Classification: Pathogenic for CILIARY DYSKINESIA, PRIMARY, 19. Last evaluated: 2012-11-02. Review status: no assertion criteria provided. Collection method: literature only. Allele origin: germline. Not counted in ClinVar's aggregate classification.

GeneReviews
No classification provided. Condition: Primary ciliary dyskinesia 19. Review status: no classification provided. Collection method: literature only. Allele origin: unknown. Not counted in ClinVar's aggregate classification.

Literature cited by the submitters: PubMed 23122589 (cited by 3 submitters); PubMed 20301301 (cited by GeneReviews); NCBI Bookshelf NBK1122 (cited by GeneReviews).